The following is an entry in ClinVar:

ClinVar aggregate classification (germline): Pathogenic (1 of 4 stars; one submission).

Conditions:
Multiple congenital exostosis (EXT). Also called: Multiple osteochondromas; MULTIPLE CARTILAGINOUS EXOSTOSES; Hereditary multiple exostoses; Hereditary multiple exostosis; Hereditary multiple osteochondromas; Multiple exostoses. Identifiers: Orphanet 321, MedGen C0015306, MONDO:0005508, HP:0002762.

Submission:

Labcorp Genetics (formerly Invitae), Labcorp
Classification: Pathogenic for Multiple congenital exostosis. Last evaluated: 2021-10-17. Review status: criteria provided, single submitter. Criteria: Invitae Variant Classification Sherloc (09022015). Collection method: clinical testing. Allele origin: germline.
Comment: For these reasons, this variant has been classified as Pathogenic. This premature translational stop signal has been observed in individual(s) with multiple osteochondromas (PMID: 16283885). This variant is not present in population databases (ExAC no frequency). This sequence change creates a premature translational stop signal (p.Tyr553*) in the EXT1 gene. It is expected to result in an absent or disrupted protein product. Loss-of-function variants in EXT1 are known to be pathogenic (PMID: 10679937, 11391482, 19810120).

Literature cited by the submitters: PubMed 16283885; PubMed 10679937; PubMed 11391482; PubMed 19810120.

NM_000127.3(EXT1):c.1658dup (p.Tyr553Ter)

Gene: EXT1 (exostosin glycosyltransferase 1; minus strand). Cytogenetic location: 8q24.11.
Variant type: Duplication.
Coding change: c.1658dup on transcript NM_000127.3 (MANE Select); coding-DNA position 1658, one base duplicated (A; older notation c.1658dupA).
Protein change: p.Tyr553Ter; replaces tyrosine 553 with a stop codon.
Molecular consequence: nonsense.
Genome position (GRCh38, 1-based): chr8:117,812,936, T duplicated on the plus strand (A on the coding strand, the reverse complement: EXT1 is on the minus strand). VCF-style (leftmost placement, unchanged base first): chr8-117812935-G-GT. GRCh37 (hg19) VCF-style: chr8-118825174-G-GT.
Other names: short protein forms Y553*.
Identifiers: ClinVar variation 1457249 (VCV001457249.6), dbSNP rs2129720355, ClinGen allele CA2573142818.